The following is an entry in ClinVar:

ClinVar aggregate classification (germline): Likely pathogenic (1 of 4 stars; one submission).

Conditions:
KBG syndrome (KBGS). Also called: ANKRD11-Related KBG Syndrome. Identifiers: Orphanet 2332, MedGen C0220687, MONDO:0007846, OMIM 148050.

Submission:

3billion
Classification: Likely pathogenic for KBG syndrome. Last evaluated: 2025-11-04. Review status: criteria provided, single submitter. Criteria: ACMG Guidelines, 2015. Collection method: clinical testing. Allele origin: germline. Affected: yes.
Comment: The variant is not observed in the gnomAD v4.1.0 dataset. Predicted Consequence/Location: Frameshift: predicted to result in a loss or disruption of normal protein function through nonsense-mediated decay (NMD) or protein truncation. Multiple pathogenic variants are reported downstream of the variant. Therefore, this variant is classified as Likely pathogenic according to the recommendation of ACMG/AMP guideline.

NM_013275.6(ANKRD11):c.5073_5076dup (p.Pro1693fs)

Gene: ANKRD11 (ankyrin repeat domain 11; minus strand). Cytogenetic location: 16q24.3.
Variant type: Duplication.
Coding change: c.5073_5076dup on transcript NM_013275.6 (MANE Select); coding-DNA positions 5073 to 5076, 4 bases duplicated (GTCC; older notation c.5073_5076dupGTCC).
Protein change: p.Pro1693fs; shifts the reading frame from proline 1693.
Molecular consequence: frameshift variant.
Genome position (GRCh38, 1-based): chr16:89,281,466-89,281,469, GGAC duplicated on the plus strand (GTCC on the coding strand, the reverse complement: ANKRD11 is on the minus strand); duplicating any 4 consecutive bases within chr16:89,281,466-89,281,470 gives the same sequence; the c. name uses the placement nearest the transcript's 3' end. VCF-style (leftmost placement, unchanged base first): chr16-89281465-G-GGGAC. GRCh37 (hg19) VCF-style: chr16-89347873-G-GGGAC.
Other names: c.5073_5076dup, p.Pro1693fs (NM_001256182.2, NM_001256183.2); short protein forms P1693fs.
Identifiers: ClinVar variation 4856051 (VCV004856051.1).